The following is an entry in ClinVar:

ClinVar aggregate classification (germline): Benign/Likely benign. Review status: criteria provided, multiple submitters, no conflicts (2 of 4 stars). 5 submissions from 5 submitters: Benign (3); Likely benign (2). Last evaluated 2026-01-19.

Conditions:
RYR1-related disorder. Also called: RYR1-related condition; RYR1-related disorders. Identifiers: MedGen CN239331.
Malignant hyperthermia, susceptibility to, 1 (MHS1). Also called: RYR1-Related Malignant Hyperthermia Susceptibility; Anesthesia related hyperthermia; Malignant hyperpyrexia; Fulminating hyperpyrexia; Pharmacogenic myopathy; Malignant hyperthermia suceptibility 1. Identifiers: Orphanet 423, MedGen C2930980, MONDO:0007783, OMIM 145600.

Allele frequency attached by ClinVar (database versions not stated): gnomAD 0.00006 and 0.00011; gnomAD exomes 0.00008 and 0.00018; TOPMed 0.00009; ExAC 0.00017; 1000 Genomes Project 0.00060; 1000 Genomes Project 30x 0.00062.
gnomAD v4.1: 126 of 1,612,080 alleles (0.0078%); highest among the groups gnomAD compares: East Asian, 0.26%; no homozygotes.

Submissions (5):

Labcorp Genetics (formerly Invitae), Labcorp
Classification: Benign for RYR1-related disorder. Last evaluated: 2026-01-19. Review status: criteria provided, single submitter. Criteria: Invitae Variant Classification Sherloc (09022015). Collection method: clinical testing. Allele origin: germline.

All of Us Research Program, National Institutes of Health
Classification: Benign for Malignant hyperthermia, susceptibility to, 1. Last evaluated: 2023-12-18. Review status: criteria provided, single submitter. Criteria: ACMG Guidelines, 2015. Collection method: clinical testing. Allele origin: germline. Inheritance: Autosomal dominant inheritance. Observed: 7 variant alleles, 7 heterozygotes.
Comment: This study involves interpretation of variants in research participants for the purpose of population health screening. Participant phenotype was not available at the time of variant classification. Additional details can be found in publication PMID: 35346344, PMCID: PMC8962531

Color Diagnostics, LLC DBA Color Health
Classification: Benign for Malignant hyperthermia, susceptibility to, 1. Last evaluated: 2022-10-20. Review status: criteria provided, single submitter. Criteria: ACMG Guidelines, 2015. Collection method: clinical testing. Allele origin: germline.

GeneDx
Classification: Likely benign. Last evaluated: 2018-06-01. Review status: criteria provided, single submitter. Criteria: GeneDx Variant Classification (06012015). Collection method: clinical testing. Allele origin: germline. Affected: yes.
Comment: This variant is considered likely benign or benign based on one or more of the following criteria: it is a conservative change, it occurs at a poorly conserved position in the protein, it is predicted to be benign by multiple in silico algorithms, and/or has population frequency not consistent with disease.

PreventionGenetics, part of Exact Sciences
Classification: Likely benign. Review status: criteria provided, single submitter. Criteria: ACMG Guidelines, 2015. Collection method: clinical testing. Allele origin: germline.

NM_000540.3(RYR1):c.10825-11C>A

Gene: RYR1 (ryanodine receptor 1; plus strand). Cytogenetic location: 19q13.2.
Variant type: single nucleotide variant.
Coding change: c.10825-11C>A on transcript NM_000540.3 (MANE Select); 11 bases into the intron before coding-DNA position 10825, C replaced by A.
Molecular consequence: intron variant.
Genome position (GRCh38, 1-based): chr19:38,528,295, C>A. VCF-style: chr19-38528295-C-A. GRCh37 (hg19) VCF-style: chr19-39018935-C-A.
Other names: c.10810-11C>A (NM_001042723.2).
Identifiers: ClinVar variation 256393 (VCV000256393.9), dbSNP rs201114660, ClinGen allele CA054889.
Genomic context (GRCh38, chr19:38,528,295, plus strand): 5'-AGTTTCATCCAGGGCTGGGAGTGAGAGGGGCAGGGTCTGGGGATGTGACTGTCCTGCTAT[C>A]CCCTCCCCAGACCGAGCACCCTTACAAGTCTAAGAAGGCCGTGTGGCACAAGCTTTTGTC-3'